The following is an entry in ClinVar:

NM_014908.4(DOLK):c.1479dup (p.Asp494Ter)

Gene: DOLK (dolichol kinase; minus strand). Cytogenetic location: 9q34.11.
Variant type: Duplication.
Coding change: c.1479dup on transcript NM_014908.4 (MANE Select); coding-DNA position 1479, one base duplicated (T; older notation c.1479dupT).
Protein change: p.Asp494Ter; replaces aspartic acid 494 with a stop codon.
Molecular consequence: nonsense. On other transcripts: frameshift variant (1).
Genome position (GRCh38, 1-based): chr9:128,945,825, A duplicated on the plus strand (T on the coding strand, the reverse complement: DOLK is on the minus strand); the first of 3 consecutive A bases (chr9:128,945,825-128,945,827); duplicating any one gives the same sequence. VCF-style (leftmost placement, unchanged base first): chr9-128945824-C-CA. GRCh37 (hg19) VCF-style: chr9-131708103-C-CA.
Other names: c.1479dupT (NM_014908.3); short protein forms D494*.
Identifiers: ClinVar variation 3842085 (VCV003842085.1).

ClinVar aggregate classification (germline): Uncertain significance (1 of 4 stars; one submission).

Conditions:
Cardiovascular phenotype. Identifiers: MedGen CN230736.

Submission:

Ambry Genetics
Classification: Uncertain significance for Cardiovascular phenotype. Last evaluated: 2024-12-23. Review status: criteria provided, single submitter. Criteria: Ambry Variant Classification Scheme 2023. Collection method: clinical testing. Allele origin: germline.
Comment: The c.1479dupT variant, located in coding exon 1 of the DOLK gene, results from a duplication of T at nucleotide position 1479, causing a translational frameshift with a predicted alternate stop codon (p.D494*). This alteration occurs at the 3' terminus of theDOLK gene, is not expected to trigger nonsense-mediated mRNAdecay, and impacts the last 8.36% of the protein. The exact functional effect of this alteration is unknown. Based on the available evidence, the clinical significance of this variant remains unclear.